The following is an entry in ClinVar:

ClinVar aggregate classification (germline): Uncertain significance (1 of 4 stars; one submission).

Conditions:
Bardet-Biedl syndrome (BBS). Identifiers: Orphanet 110, MedGen C0752166, MONDO:0015229.

Allele frequency attached by ClinVar (database versions not stated): gnomAD exomes below 0.00001; ExAC 0.00001.
gnomAD v4.1: 8 of 1,612,812 alleles (0.0005%); highest among the groups gnomAD compares: South Asian, 0.0033%; no homozygotes.

Submission:

Labcorp Genetics (formerly Invitae), Labcorp
Classification: Uncertain significance for Bardet-Biedl syndrome. Last evaluated: 2024-02-17. Review status: criteria provided, single submitter. Criteria: Invitae Variant Classification Sherloc (09022015). Collection method: clinical testing. Allele origin: germline.
Comment: This sequence change replaces arginine, which is basic and polar, with glutamine, which is neutral and polar, at codon 115 of the WDPCP protein (p.Arg115Gln). This variant is present in population databases (rs748871007, gnomAD 0.0009%). This variant has not been reported in the literature in individuals affected with WDPCP-related conditions. ClinVar contains an entry for this variant (Variation ID: 1440160). Advanced modeling of protein sequence and biophysical properties (such as structural, functional, and spatial information, amino acid conservation, physicochemical variation, residue mobility, and thermodynamic stability) performed at Invitae indicates that this missense variant is not expected to disrupt WDPCP protein function with a negative predictive value of 80%. In summary, the available evidence is currently insufficient to determine the role of this variant in disease. Therefore, it has been classified as a Variant of Uncertain Significance.

NM_015910.7(WDPCP):c.344G>A (p.Arg115Gln)

Gene: WDPCP (WD repeat containing planar cell polarity effector; minus strand). Cytogenetic location: 2p15.
Variant type: single nucleotide variant.
Coding change: c.344G>A on transcript NM_015910.7 (MANE Select); coding-DNA position 344, G replaced by A.
Protein change: p.Arg115Gln; replaces arginine 115 with glutamine.
Molecular consequence: missense variant. On other transcripts: non-coding transcript variant (2).
Genome position (GRCh38, 1-based): chr2:63,484,644, C>T on the plus strand (G>A on the coding strand, the complement: WDPCP is on the minus strand). VCF-style: chr2-63484644-C-T. GRCh37 (hg19) VCF-style: chr2-63711778-C-T.
Other names: c.272G>A, p.Arg91Gln (NM_001354044.2); c.344G>A, p.Arg115Gln (NM_001354045.2); short protein forms R91Q, R115Q.
Identifiers: ClinVar variation 1440160 (VCV001440160.8), dbSNP rs748871007, ClinGen allele CA1682503.